The following is an entry in ClinVar:

NM_001256789.3(CACNA1F):c.4101-2A>T

Gene: CACNA1F (calcium voltage-gated channel subunit alpha1 F; minus strand). Cytogenetic location: Xp11.23.
Variant type: single nucleotide variant.
Coding change: c.4101-2A>T on transcript NM_001256789.3 (MANE Select); the canonical splice acceptor site of the intron before coding-DNA position 4101, A replaced by T.
Molecular consequence: splice acceptor variant.
Genome position (GRCh38, 1-based): chrX:49,211,483, T>A on the plus strand (A>T on the coding strand, the complement: CACNA1F is on the minus strand). VCF-style: chrX-49211483-T-A. GRCh37 (hg19) VCF-style: chrX-49067943-T-A.
Other names: c.4134-2A>T (NM_005183.4); c.3939-2A>T (NM_001256790.3).
Identifiers: ClinVar variation 2815426 (VCV002815426.3), dbSNP rs2520791805, ClinGen allele CA412961821.

ClinVar aggregate classification (germline): Likely pathogenic (1 of 4 stars; one submission).

Submission:

Labcorp Genetics (formerly Invitae), Labcorp
Classification: Likely pathogenic. Last evaluated: 2022-11-20. Review status: criteria provided, single submitter. Criteria: Invitae Variant Classification Sherloc (09022015). Collection method: clinical testing. Allele origin: germline.
Comment: This variant is not present in population databases (gnomAD no frequency). In summary, the currently available evidence indicates that the variant is pathogenic, but additional data are needed to prove that conclusively. Therefore, this variant has been classified as Likely Pathogenic. Algorithms developed to predict the effect of sequence changes on RNA splicing suggest that this variant may disrupt the consensus splice site. Disruption of this splice site has been observed in individual(s) with night blindness (Invitae). This sequence change affects an acceptor splice site in intron 35 of the CACNA1F gene. It is expected to disrupt RNA splicing. Variants that disrupt the donor or acceptor splice site typically lead to a loss of protein function (PMID: 16199547), and loss-of-function variants in CACNA1F are known to be pathogenic (PMID: 9662399, 11281458, 17525176, 22194652, 24124559, 26992781).

Literature cited by the submitters: PubMed 16199547; PubMed 9662399; PubMed 11281458; PubMed 17525176; PubMed 22194652; PubMed 24124559; PubMed 26992781.